The following is an entry in ClinVar:

NM_003793.4(CTSF):c.106T>G (p.Ser36Ala)

Gene: CTSF (cathepsin F; minus strand). Cytogenetic location: 11q13.2.
Variant type: single nucleotide variant.
Coding change: c.106T>G on transcript NM_003793.4 (MANE Select); coding-DNA position 106, T replaced by G.
Protein change: p.Ser36Ala; replaces serine 36 with alanine.
Molecular consequence: missense variant.
Genome position (GRCh38, 1-based): chr11:66,568,381, A>C on the plus strand (T>G on the coding strand, the complement: CTSF is on the minus strand). VCF-style: chr11-66568381-A-C. GRCh37 (hg19) VCF-style: chr11-66335852-A-C.
Other names: short protein forms S36A.
Identifiers: ClinVar variation 4527286 (VCV004527286.1).

ClinVar aggregate classification (germline): Uncertain significance (1 of 4 stars; one submission).

Submission:

GeneDx
Classification: Uncertain significance. Last evaluated: 2025-04-23. Review status: criteria provided, single submitter. Criteria: GeneDx Variant Classification Process June 2021. Collection method: clinical testing. Allele origin: germline. Affected: yes.
Comment: Not observed at significant frequency in large population cohorts (gnomAD); In silico analysis indicates that this missense variant does not alter protein structure/function; Has not been previously published as pathogenic or benign to our knowledge